The following is an entry in ClinVar:

NM_001278431.2(C1QTNF5):c.583dup (p.Ala195fs)

Genes: C1QTNF5 (C1q and TNF related 5; minus strand), MFRP (membrane frizzled-related protein; minus strand). Cytogenetic location: 11q23.3.
Variant type: Duplication.
Coding change: c.583dup on transcript NM_001278431.2 (MANE Select); coding-DNA position 583, one base duplicated (G; older notation c.583dupG).
Protein change: p.Ala195fs; shifts the reading frame from alanine 195.
Molecular consequence: frameshift variant. On other transcripts: 3 prime UTR variant (1).
Genome position (GRCh38, 1-based): chr11:119,339,480, C duplicated on the plus strand (G on the coding strand, the reverse complement: C1QTNF5 is on the minus strand); the first of 8 consecutive C bases (chr11:119,339,480-119,339,487); duplicating any one gives the same sequence. VCF-style (leftmost placement, unchanged base first): chr11-119339479-G-GC. GRCh37 (hg19) VCF-style: chr11-119210189-G-GC.
Other names: c.583dup (NM_015645.4); c.583dup, p.Ala195fs (NM_015645.5); c.*1479dup (NM_031433.4); short protein forms A195fs.
Identifiers: ClinVar variation 499754 (VCV000499754.18), dbSNP rs369839371, ClinGen allele CA6319913.

ClinVar aggregate classification (germline): Benign/Likely benign. Review status: criteria provided, multiple submitters, no conflicts (2 of 4 stars). 4 submissions from 4 submitters: Benign (2); Likely benign (1). 1 of the submissions does not count toward it. Last evaluated 2026-01-19.

Conditions:
C1QTNF5-related disorder. Also called: C1QTNF5-related condition.

Submissions (4):

Labcorp Genetics (formerly Invitae), Labcorp
Classification: Benign. Last evaluated: 2026-01-19. Review status: criteria provided, single submitter. Criteria: Invitae Variant Classification Sherloc (09022015). Collection method: clinical testing. Allele origin: germline.

Blueprint Genetics
Classification: Likely benign. Last evaluated: 2024-04-26. Review status: criteria provided, single submitter. Criteria: ACMG Guidelines, 2015. Collection method: clinical testing. Allele origin: germline.

Eurofins Ntd Llc (ga)
Classification: Benign. Last evaluated: 2017-01-26. Review status: criteria provided, single submitter. Criteria: EGL Classification Definitions 2015. Collection method: clinical testing. Allele origin: germline. Observed: 1 variant allele, 1 heterozygote.

PreventionGenetics, part of Exact Sciences
Classification: Likely benign for C1QTNF5-related condition. Last evaluated: 2024-02-01. Review status: no assertion criteria provided. Collection method: clinical testing. Allele origin: germline. Not counted in ClinVar's aggregate classification.
Comment: This variant is classified as likely benign based on ACMG/AMP sequence variant interpretation guidelines (Richards et al. 2015 PMID: 25741868, with internal and published modifications).